The following is an entry in ClinVar:

NC_000006.11:g.(10530070_10621583)_(10629602_?)del

Gene: GCNT2 (glucosaminyl (N-acetyl) transferase 2 (I blood group); plus strand). Cytogenetic location: 6p24.3-24.2.
Variant type: Deletion.
Identifiers: ClinVar variation 4887488 (VCV004887488.1).

ClinVar aggregate classification (germline): Pathogenic (1 of 4 stars; one submission).

Conditions:
Cataract 13 with adult I phenotype. Identifiers: Orphanet 91492, MedGen C3805373, MONDO:0007289, OMIM 116700.

Submission:

Women's Health and Genetics/Laboratory Corporation of America, LabCorp
Classification: Pathogenic for Cataract 13 with adult I phenotype. Last evaluated: 2026-06-05. Review status: criteria provided, single submitter. Criteria: LabCorp Variant Classification Summary - May 2015. Collection method: clinical testing. Allele origin: germline.
Comment: Variant summary: The variant involves the deletion of exons 4-5 in the GCNT2 gene. A presumed nomenclature of c.(925+1_926-1)_(*2762_?)del has been designated for the purposes of this classification. The exact breakpoint at the distal 3' end of this variant is unknown, therefore this deletion may extend downstream of the annotated region of the gene. As it encompasses the termination codon, it is predicted to escape nonsense mediated decay (NMD). Loss-of-function variants in this gene are known to be pathogenic. The variant was absent in 21694 control chromosomes. c.(925+1_926-1)_(*2762_?)del has been observed in multiple individuals affected with autosomal recessive cataracts and segregated with the phenotype in affected families (Borck_2012). These data indicate that the variant is very likely to be associated with disease. To our knowledge, no experimental evidence demonstrating an impact on protein function has been reported. The following publication has been ascertained in the context of this evaluation (PMID: 21761136). ClinVar contains an entry for this variant (Variation ID: 4279311). Based on the evidence outlined above, the variant was classified as pathogenic.

Literature cited by the submitters: PubMed 21761136.